The following is an entry in ClinVar:

ClinVar aggregate classification (germline): Uncertain significance (1 of 4 stars; one submission).

Conditions:
FGFR3-related chondrodysplasia. Identifiers: Orphanet 93420, MedGen C5681604, MONDO:0019685.

gnomAD v4.1: 2 of 1,592,994 alleles (0.00013%); highest among the groups gnomAD compares: African/African-American, 0.0013%; no homozygotes.

Submission:

Genomenon, Inc
Classification: Uncertain significance for FGFR3-related chondrodysplasia. Last evaluated: 2026-06-23. Review status: criteria provided, single submitter. Criteria: Genomenon Sequence Variant Interpretation Standards - Updated. Collection method: curation. Allele origin: germline. Affected: no.
Comment: FGFR3 p.Pro766Ser (c.2296C>T) is a missense variant that changes the amino acid at codon 766 from Proline to Serine. This variant has been reported in the published literature (PMID:41062690). It is absent or not present at a significant frequency in gnomAD. In conclusion, we classify FGFR3 p.Pro766Ser (c.2296C>T) as a variant of uncertain significance.

Literature cited by the submitters: PubMed 41062690.

NM_000142.5(FGFR3):c.2296C>T (p.Pro766Ser)

Gene: FGFR3 (fibroblast growth factor receptor 3; plus strand). Cytogenetic location: 4p16.3.
Variant type: single nucleotide variant.
Coding change: c.2296C>T on transcript NM_000142.5 (MANE Select); coding-DNA position 2296, C replaced by T.
Protein change: p.Pro766Ser; replaces proline 766 with serine.
Molecular consequence: missense variant. On other transcripts: non-coding transcript variant (1).
Genome position (GRCh38, 1-based): chr4:1,807,137, C>T. VCF-style: chr4-1807137-C-T. GRCh37 (hg19) VCF-style: chr4-1808864-C-T.
Other names: c.2302C>T, p.Pro768Ser (NM_001163213.2); c.2299C>T, p.Pro767Ser (NM_001354809.2); c.2228C>T, p.Ala743Val (NM_001354810.2); c.1960C>T, p.Pro654Ser (NM_022965.4); short protein forms A743V, P654S, P766S, P767S, P768S.
Identifiers: ClinVar variation 4857804 (VCV004857804.1).